The following is an entry in ClinVar:

NM_012210.4(TRIM32):c.827A>C (p.Gln276Pro)

Genes: ASTN2 (astrotactin 2; minus strand), TRIM32 (tripartite motif containing 32; plus strand). Cytogenetic location: 9q33.1.
Variant type: single nucleotide variant.
Coding change: c.827A>C on transcript NM_012210.4 (MANE Select); coding-DNA position 827, A replaced by C.
Protein change: p.Gln276Pro; replaces glutamine 276 with proline.
Molecular consequence: missense variant. On other transcripts: intron variant (3).
Genome position (GRCh38, 1-based): chr9:116,698,569, A>C. VCF-style: chr9-116698569-A-C. GRCh37 (hg19) VCF-style: chr9-119460848-A-C.
Other names: c.827A>C, p.Gln276Pro (NM_001099679.2, NM_001379048.1, NM_001379049.1 and 1 more transcripts); c.2653+27202T>G (NM_014010.5); c.2794+27202T>G (NM_001365069.1); c.2806+27202T>G (NM_001365068.1); short protein forms Q276P.
Identifiers: ClinVar variation 2103312 (VCV002103312.4), dbSNP rs2491062807, ClinGen allele CA374649954.

ClinVar aggregate classification (germline): Uncertain significance (1 of 4 stars; one submission).

Conditions:
Bardet-Biedl syndrome (BBS). Identifiers: Orphanet 110, MedGen C0752166, MONDO:0015229.

Submission:

Labcorp Genetics (formerly Invitae), Labcorp
Classification: Uncertain significance for Bardet-Biedl syndrome. Last evaluated: 2022-06-11. Review status: criteria provided, single submitter. Criteria: Invitae Variant Classification Sherloc (09022015). Collection method: clinical testing. Allele origin: germline.
Comment: In summary, the available evidence is currently insufficient to determine the role of this variant in disease. Therefore, it has been classified as a Variant of Uncertain Significance. Algorithms developed to predict the effect of missense changes on protein structure and function (SIFT, PolyPhen-2, Align-GVGD) all suggest that this variant is likely to be disruptive. This variant has not been reported in the literature in individuals affected with TRIM32-related conditions. This variant is not present in population databases (gnomAD no frequency). This sequence change replaces glutamine, which is neutral and polar, with proline, which is neutral and non-polar, at codon 276 of the TRIM32 protein (p.Gln276Pro).